The following is an entry in ClinVar:

NM_001243279.3(ACSF3):c.58C>T (p.Arg20Trp)

Gene: ACSF3 (acyl-CoA synthetase family member 3; plus strand). Cytogenetic location: 16q24.3.
Variant type: single nucleotide variant.
Coding change: c.58C>T on transcript NM_001243279.3 (MANE Select); coding-DNA position 58, C replaced by T.
Protein change: p.Arg20Trp; replaces arginine 20 with tryptophan.
Molecular consequence: missense variant. On other transcripts: non-coding transcript variant (3), intron variant (1).
Genome position (GRCh38, 1-based): chr16:89,100,739, C>T. VCF-style: chr16-89100739-C-T. GRCh37 (hg19) VCF-style: chr16-89167147-C-T.
Other names: c.58C>T, p.Arg20Trp (NM_001127214.4, NM_174917.5); c.-129-1865C>T (NM_001284316.2); short protein forms R20W.
Identifiers: ClinVar variation 2145215 (VCV002145215.2), dbSNP rs772907663, ClinGen allele CA8237533.
Genomic context (GRCh38, chr16:89,100,739, plus strand): 5'-GCAATGCTGCCCCATGTGGTGCTCACCTTCCGGCGCCTGGGCTGCGCCTTGGCGTCCTGC[C>T]GGCTGGCGCCTGCGAGACACAGAGGAAGTGGTCTTCTGCACACAGCCCCAGTGGCCCGCT-3'
Protein context (NP_001230208.1, residues 10-30): RRLGCALASC[Arg20Trp]LAPARHRGSG

ClinVar aggregate classification (germline): Uncertain significance (1 of 4 stars; one submission).

Conditions:
Combined malonic and methylmalonic acidemia. Identifiers: Orphanet 289504, MedGen C3280314, MONDO:0013661, OMIM 614265.

Allele frequency attached by ClinVar (database versions not stated): TOPMed 0.00001; ExAC 0.00002; gnomAD 0.00003.
gnomAD v4.1: 26 of 1,605,320 alleles (0.0016%); highest among the groups gnomAD compares: South Asian, 0.011%; no homozygotes.

Submission:

Labcorp Genetics (formerly Invitae), Labcorp
Classification: Uncertain significance for Combined malonic and methylmalonic acidemia. Last evaluated: 2025-06-04. Review status: criteria provided, single submitter. Criteria: Invitae Variant Classification Sherloc (09022015). Collection method: clinical testing. Allele origin: germline.
Comment: This sequence change replaces arginine, which is basic and polar, with tryptophan, which is neutral and slightly polar, at codon 20 of the ACSF3 protein (p.Arg20Trp). This variant is present in population databases (rs772907663, gnomAD 0.01%). This variant has not been reported in the literature in individuals affected with ACSF3-related conditions. ClinVar contains an entry for this variant (Variation ID: 2145215). An algorithm developed to predict the effect of missense changes on protein structure and function outputs the following: PolyPhen-2: "Benign". The tryptophan amino acid residue is found in multiple mammalian species, which suggests that this missense change does not adversely affect protein function. In summary, the available evidence is currently insufficient to determine the role of this variant in disease. Therefore, it has been classified as a Variant of Uncertain Significance.